The following is an entry in ClinVar:

ClinVar aggregate classification (germline): Likely pathogenic (1 of 4 stars; one submission).

Conditions:
Malignant tumor of breast. Also called: Malignant breast neoplasm; Cancer breast. Identifiers: MedGen C0006142, MONDO:0007254. Disease mechanism: loss of function.

Submission:

Women's Health and Genetics/Laboratory Corporation of America, LabCorp
Classification: Likely pathogenic for Malignant tumor of breast. Last evaluated: 2022-08-22. Review status: criteria provided, single submitter. Criteria: LabCorp Variant Classification Summary - May 2015. Collection method: clinical testing. Allele origin: germline.
Comment: Variant summary: The variant identified by MLPA or other technology involves the deletion of exon 13 (i.e. the last exon) in the PALB2 gene. A presumed nomenclature of c.(3350+1_3351-1)_(*298_?)del has been designated for the purposes of this classification. Although exact breakpoints of this deletion are not known, it is not expected to cause nonsense mediated decay (NMD), but is predicted to cause a large truncation of the encoded protein (removing amino acids 1117-1186, and likely replacing it with an incorrect sequence). This variant affects the WD40 domain (IPR031920; amino acids 840-1184), which is required to bind to the N-terminus of BRCA2, and localization of BRCA2 to nuclear foci requires its association with PALB2 (PMID: 19609323). Several truncating variants are reported within the last exon in affected individuals (HGMD). The variant was absent in 21694 control chromosomes (gnomAD database, structural variants dataset). Deletions of exon 13 in the PALB2 gene have been reported in the literature in individuals affected with breast- and ovarian cancer (Antoniou_2014, Norquist_2016, Lilyquist_2017). These data indicate that the variant may be associated with disease. To our knowledge, no experimental evidence demonstrating an impact on protein function has been reported. One clinical diagnostic laboratory has submitted clinical-significance assessments for this variant to ClinVar after 2014, and classified the variant as pathogenic. Based on the evidence outlined above, the variant was classified as likely pathogenic.

Literature cited by the submitters: PubMed 25099575; PubMed 26720728; PubMed 28888541.

NC_000016.9:g.(?_23614482)_(23614991_23619184)del

Gene: PALB2 (partner and localizer of BRCA2; minus strand). Cytogenetic location: 16p12.2.
Variant type: Deletion.
Identifiers: ClinVar variation 1705175 (VCV001705175.1).